The following is an entry in ClinVar:

NM_006767.4(LZTR1):c.1254G>T (p.Arg418Ser)

Gene: LZTR1 (leucine zipper like post translational regulator 1; plus strand). Cytogenetic location: 22q11.21.
Variant type: single nucleotide variant.
Coding change: c.1254G>T on transcript NM_006767.4 (MANE Select); coding-DNA position 1254, G replaced by T.
Protein change: p.Arg418Ser; replaces arginine 418 with serine.
Molecular consequence: missense variant.
Genome position (GRCh38, 1-based): chr22:20,992,898, G>T. VCF-style: chr22-20992898-G-T. GRCh37 (hg19) VCF-style: chr22-21347187-G-T.
Other names: short protein forms R418S.
Identifiers: ClinVar variation 1034310 (VCV001034310.12), dbSNP rs746064505, ClinGen allele CA410774145.
Genomic context (GRCh38, chr22:20,992,898, plus strand): 5'-CGCCATGTACATCTTCGGGGGCACGGTGGACAACAACATCCGCAGCGGGGAGATGTACAG[G>T]TTCCAGGTGTGGGGCCTGTGGGCCTGTAGAGCCGGCTGGGTGGACGGATCCCCCGTGATG-3'
Protein context (NP_006758.2, residues 408-428): DNNIRSGEMY[Arg418Ser]FQFSCYPKCT

ClinVar aggregate classification (germline): Uncertain significance. Review status: criteria provided, multiple submitters, no conflicts (2 of 4 stars). 6 submissions from 5 submitters: Uncertain significance (6). Last evaluated 2026-10-01.

Conditions:
Cardiovascular phenotype. Identifiers: MedGen CN230736.
Hereditary cancer-predisposing syndrome. Also called: Neoplastic Syndromes, Hereditary; Hereditary neoplastic syndrome; Tumor predisposition; Hereditary Cancer Syndrome. Identifiers: Orphanet 140162, MedGen C0027672, MeSH D009386, MONDO:0015356.
Noonan syndrome 10 (NS10). Identifiers: Orphanet 648, MedGen C4225280, MONDO:0014693, OMIM 616564.
LZTR1-related schwannomatosis. Also called: Schwannomatosis-2, susceptibility to; Schwannomatosis 2. Identifiers: Orphanet 93921, MedGen C3810283, MONDO:0014299, OMIM 615670.

Allele frequency attached by ClinVar (database versions not stated): TOPMed 0.00001.

Submissions (6):

St. Jude Molecular Pathology, St. Jude Children's Research Hospital
Classification: Uncertain significance for Noonan syndrome 10. Last evaluated: 2026-10-01. Review status: criteria provided, single submitter. Criteria: St. Jude Assertion Criteria 2020. Collection method: clinical testing. Allele origin: germline.
Comment: The LZTR1 c.1254G>T p.(Arg418Ser) missense change is absent in gnomAD v2.1.1. The in silico tool REVEL predicts a benign effect on protein function, but to our knowledge this prediction has not been confirmed by functional studies. Algorithms that predict the impact of sequence changes on splicing indicate that this change may impact splicing but to our knowledge these predictions have not been confirmed by RNA studies. To our knowledge, this variant has not been reported in individuals with Noonan syndrome or schwannomatosis. In summary, the evidence currently available is insufficient to determine the clinical significance of this variant. It has therefore been classified as of uncertain significance.

Labcorp Genetics (formerly Invitae), Labcorp
Classification: Uncertain significance. Last evaluated: 2026-01-28. Review status: criteria provided, single submitter. Criteria: Invitae Variant Classification Sherloc (09022015). Collection method: clinical testing. Allele origin: germline.
Comment: This sequence change replaces arginine, which is basic and polar, with serine, which is neutral and polar, at codon 418 of the LZTR1 protein (p.Arg418Ser). This variant is not present in population databases (gnomAD no frequency). This variant has not been reported in the literature in individuals affected with LZTR1-related conditions. ClinVar contains an entry for this variant (Variation ID: 1034310). Invitae Evidence Modeling of protein sequence and biophysical properties (such as structural, functional, and spatial information, amino acid conservation, physicochemical variation, residue mobility, and thermodynamic stability) indicates that this missense variant is not expected to disrupt LZTR1 protein function with a negative predictive value of 80%. In summary, the available evidence is currently insufficient to determine the role of this variant in disease. Therefore, it has been classified as a Variant of Uncertain Significance.

Ambry Genetics
Classification: Uncertain significance for Cardiovascular phenotype; Hereditary cancer-predisposing syndrome. Last evaluated: 2024-11-15. Review status: criteria provided, single submitter. Criteria: Ambry Variant Classification Scheme 2023. Collection method: clinical testing. Allele origin: germline.
Comment: The p.R418S variant (also known as c.1254G>T), located in coding exon 11 of the LZTR1 gene, results from a G to T substitution at nucleotide position 1254. The arginine at codon 418 is replaced by serine, an amino acid with dissimilar properties. This amino acid position is highly conserved in available vertebrate species. In addition, the in silico prediction for this alteration is inconclusive. Based on the available evidence, the clinical significance of this variant remains unclear.

Baylor Genetics
Classification: Uncertain significance for LZTR1-related schwannomatosis. Last evaluated: 2023-11-29. Review status: criteria provided, single submitter. Criteria: ACMG Guidelines, 2015. Collection method: clinical testing. Allele origin: unknown.

Blueprint Genetics
Classification: Uncertain significance. Last evaluated: 2021-07-14. Review status: criteria provided, single submitter. Criteria: ACMG Guidelines, 2015. Collection method: clinical testing. Allele origin: germline.

Baylor Genetics
Classification: Uncertain significance for Noonan syndrome 10. Last evaluated: 2018-09-28. Review status: criteria provided, single submitter. Criteria: ACMG Guidelines, 2015. Collection method: clinical testing. Allele origin: maternal. Affected: yes.
Comment: This variant was determined to be of uncertain significance according to ACMG Guidelines, 2015 [PMID:25741868].